The following is an entry in ClinVar:

NM_004991.4(MECOM):c.494G>A (p.Cys165Tyr)

Gene: MECOM (MDS1 and EVI1 complex locus; minus strand). Cytogenetic location: 3q26.2.
Variant type: single nucleotide variant.
Coding change: c.494G>A on transcript NM_004991.4 (MANE Select); coding-DNA position 494, G replaced by A.
Protein change: p.Cys165Tyr; replaces cysteine 165 with tyrosine.
Molecular consequence: missense variant. On other transcripts: 5 prime UTR variant (12).
Genome position (GRCh38, 1-based): chr3:169,143,714, C>T on the plus strand (G>A on the coding strand, the complement: MECOM is on the minus strand). VCF-style: chr3-169143714-C-T. GRCh37 (hg19) VCF-style: chr3-168861502-C-T.
Other names: c.122G>A, p.Cys41Tyr (NM_001105077.4); c.-71G>A (NM_001105078.4, NM_001163999.2, NM_001164000.2 and 9 more transcripts); c.494G>A, p.Cys165Tyr (NM_001366466.2, NM_001366473.2); short protein forms C165Y, C41Y.
Identifiers: ClinVar variation 4859715 (VCV004859715.1).

ClinVar aggregate classification (germline): Uncertain significance (1 of 4 stars; one submission).

Conditions:
Inborn genetic diseases. Identifiers: MedGen C0950123, MeSH D030342.

Submission:

Ambry Genetics
Classification: Uncertain significance for Inborn genetic diseases. Last evaluated: 2026-03-31. Review status: criteria provided, single submitter. Criteria: Ambry Variant Classification Scheme 2023. Collection method: clinical testing. Allele origin: germline.
Comment: The p.C165Y variant (also known as c.494G>A), located in coding exon 3 of the MECOM gene, results from a G to A substitution at nucleotide position 494. The cysteine at codon 165 is replaced by tyrosine, an amino acid with highly dissimilar properties. This amino acid position is conserved. In addition, the in silico prediction for this alteration is inconclusive. Based on the available evidence, the clinical significance of this variant remains unclear.